The following is an entry in ClinVar:

ClinVar aggregate classification (germline): Likely benign. Review status: criteria provided, multiple submitters, no conflicts (2 of 4 stars). 2 submissions from 2 submitters: Likely benign (2). Last evaluated 2018-01-12.

Conditions:
Joubert syndrome 13 (JBTS13). Identifiers: Orphanet 475, MedGen C3280031, MONDO:0013608, OMIM 614173.

Allele frequency attached by ClinVar (database versions not stated): ExAC 0.00073; gnomAD exomes 0.00094; gnomAD 0.00441 and 0.00473; 1000 Genomes Project 0.00459; TOPMed 0.00486; 1000 Genomes Project 30x 0.00515.
gnomAD v4.1: 1,343 of 1,541,176 alleles (0.087%); highest among the groups gnomAD compares: African/African-American, 1.6%; 14 homozygotes.

Submissions (2):

Illumina Laboratory Services, Illumina
Classification: Likely benign for Joubert syndrome 13. Last evaluated: 2018-01-12. Review status: criteria provided, single submitter. Criteria: ICSL Variant Classification Criteria 13 December 2019. Collection method: clinical testing. Allele origin: germline.
Comment: This variant was observed in the ICSL laboratory as part of a predisposition screen in an ostensibly healthy population. It had not been previously curated by ICSL or reported in the Human Gene Mutation Database (HGMD: prior to June 1st, 2018), and was therefore a candidate for classification through an automated scoring system. Utilizing variant allele frequency, disease prevalence and penetrance estimates, and inheritance mode, an automated score was calculated to assess if this variant is too frequent to cause the disease. Based on the score and internal cut-off values, a variant classified as likely benign is not then subjected to further curation. The score for this variant resulted in a classification of likely benign for this disease.

GeneDx
Classification: Likely benign. Last evaluated: 2017-12-08. Review status: criteria provided, single submitter. Criteria: GeneDx Variant Classification (06012015). Collection method: clinical testing. Allele origin: germline. Affected: yes.
Comment: This variant is considered likely benign or benign based on one or more of the following criteria: it is a conservative change, it occurs at a poorly conserved position in the protein, it is predicted to be benign by multiple in silico algorithms, and/or has population frequency not consistent with disease.

NM_001082538.3(TCTN1):c.-46G>C

Gene: TCTN1 (tectonic family member 1; plus strand). Cytogenetic location: 12q24.11.
Variant type: single nucleotide variant.
Coding change: c.-46G>C on transcript NM_001082538.3 (MANE Select); 46 bases upstream of the start codon, G replaced by C.
Molecular consequence: 5 prime UTR variant. On other transcripts: non-coding transcript variant (1).
Genome position (GRCh38, 1-based): chr12:110,614,137, G>C. VCF-style: chr12-110614137-G-C. GRCh37 (hg19) VCF-style: chr12-111051942-G-C.
Other names: c.-46G>C (NM_001082537.3, NM_001319680.2, NM_024549.6); c.-275G>C (NM_001173975.3, NM_001319682.3); c.-302G>C (NM_001173976.2); c.-753G>C (NM_001319681.2).
Identifiers: ClinVar variation 307202 (VCV000307202.5), dbSNP rs538932401, ClinGen allele CA6786421.